The following is an entry in ClinVar:

NM_006440.5(TXNRD2):c.83G>A (p.Gly28Asp)

Genes: TXNRD2 (thioredoxin reductase 2; minus strand), LOC130066960 (ATAC-STARR-seq lymphoblastoid silent region 13467; plus strand). Cytogenetic location: 22q11.21.
Variant type: single nucleotide variant.
Coding change: c.83G>A on transcript NM_006440.5 (MANE Select); coding-DNA position 83, G replaced by A.
Protein change: p.Gly28Asp; replaces glycine 28 with aspartic acid.
Molecular consequence: missense variant. On other transcripts: non-coding transcript variant (1).
Genome position (GRCh38, 1-based): chr22:19,941,721, C>T on the plus strand (G>A on the coding strand, the complement: TXNRD2 is on the minus strand). VCF-style: chr22-19941721-C-T. GRCh37 (hg19) VCF-style: chr22-19929244-C-T.
Other names: c.83G>A, p.Gly28Asp (NM_001282512.3, NM_001352300.2); short protein forms G28D.
Identifiers: ClinVar variation 3464751 (VCV003464751.1).
Genomic context (GRCh38, chr22:19,941,721, plus strand): 5'-CGCGGACACCTACCGCGGGGACGCCCCGACCCCATCCTACCTGCTGCGCCCCGCGCCGCG[C>T]CCCGCACCCCGCCCGCCACGGCCTGCGTCCGCCACCGGAAGCGCCCTCCTAATCCCCGCA-3'
Protein context (NP_006431.2, residues 18-38): RTQAVAGGVR[Gly28Asp]AARGAAAGQR

ClinVar aggregate classification (germline): Uncertain significance (1 of 4 stars; one submission).

Conditions:
Cardiovascular phenotype. Identifiers: MedGen CN230736.

gnomAD v4.1: 3 of 1,486,696 alleles (0.0002%); highest among the groups gnomAD compares: Admixed American, 0.0022%; no homozygotes.

Submission:

Ambry Genetics
Classification: Uncertain significance for Cardiovascular phenotype. Last evaluated: 2024-08-31. Review status: criteria provided, single submitter. Criteria: Ambry Variant Classification Scheme 2023. Collection method: clinical testing. Allele origin: germline.
Comment: The p.G28D variant (also known as c.83G>A), located in coding exon 1 of the TXNRD2 gene, results from a G to A substitution at nucleotide position 83. The glycine at codon 28 is replaced by aspartic acid, an amino acid with similar properties. This amino acid position is conserved. In addition, the in silico prediction for this alteration is inconclusive. Based on the available evidence, the clinical significance of this variant remains unclear.